The following is an entry in ClinVar:

ClinVar aggregate classification (germline): Uncertain significance (1 of 4 stars; one submission).

Conditions:
Inborn genetic diseases. Identifiers: MedGen C0950123, MeSH D030342.

gnomAD v4.1: 6 of 1,613,754 alleles (0.00037%); highest among the groups gnomAD compares: Non-Finnish European, 0.00034%; no homozygotes.

Submission:

Ambry Genetics
Classification: Uncertain significance for Inborn genetic diseases. Last evaluated: 2026-07-30. Review status: criteria provided, single submitter. Criteria: Ambry Variant Classification Scheme 2023. Collection method: clinical testing. Allele origin: germline.
Comment: The c.2734G>A (p.D912N) alteration is located in exon 11 (coding exon 10) of the TECPR2 gene. This alteration results from a G to A substitution at nucleotide position 2734, causing the aspartic acid (D) at amino acid position 912 to be replaced by an asparagine (N). This variant was not reported in population-based cohorts in the Genome Aggregation Database (gnomAD). This amino acid position is highly conserved in available vertebrate species. This alteration is predicted to be tolerated by in silico analysis. Based on insufficient or conflicting evidence, the clinical significance of this alteration remains unclear.

NM_014844.5(TECPR2):c.2734G>A (p.Asp912Asn)

Gene: TECPR2 (tectonin beta-propeller repeat containing 2; plus strand). Cytogenetic location: 14q32.31.
Variant type: single nucleotide variant.
Coding change: c.2734G>A on transcript NM_014844.5 (MANE Select); coding-DNA position 2734, G replaced by A.
Protein change: p.Asp912Asn; replaces aspartic acid 912 with asparagine.
Molecular consequence: missense variant.
Genome position (GRCh38, 1-based): chr14:102,440,591, G>A. VCF-style: chr14-102440591-G-A. GRCh37 (hg19) VCF-style: chr14-102906928-G-A.
Other names: c.2734G>A, p.Asp912Asn (NM_001172631.3); short protein forms D912N.
Identifiers: ClinVar variation 5030595 (VCV005030595.1).